The following is an entry in ClinVar:

NM_153704.6(TMEM67):c.312+7A>C

Gene: TMEM67 (transmembrane protein 67; plus strand). Cytogenetic location: 8q22.1.
Variant type: single nucleotide variant.
Coding change: c.312+7A>C on transcript NM_153704.6 (MANE Select); 7 bases into the intron after coding-DNA position 312, A replaced by C.
Molecular consequence: intron variant.
Genome position (GRCh38, 1-based): chr8:93,755,873, A>C. VCF-style: chr8-93755873-A-C. GRCh37 (hg19) VCF-style: chr8-94768101-A-C.
Other names: c.-62+736A>C (NM_001142301.1).
Identifiers: ClinVar variation 5000807 (VCV005000807.1).

ClinVar aggregate classification (germline): Uncertain significance (1 of 4 stars; one submission).

Conditions:
TMEM67-related disorder. Also called: TMEM67-related disorders; TMEM67-related condition. Identifiers: MedGen CN239423.

Submission:

PreventionGenetics, part of Exact Sciences
Classification: Uncertain significance for TMEM67-related condition. Last evaluated: 2025-04-24. Review status: criteria provided, single submitter. Criteria: ACMG Guidelines, 2015. Collection method: clinical testing. Allele origin: germline.
Comment: The TMEM67 c.312+7A>C variant is predicted to interfere with splicing. This variant is predicted to alter splicing based on available splicing prediction programs (SpliceAI, Jaganathan et al. 2019. PubMed ID: 30661751). However, the use of computer prediction programs is not equivalent to functional evidence. To our knowledge, this variant has not been reported in the literature or in a large population database (gnomAD), indicating this variant is rare. At this time, the clinical significance of this variant is uncertain due to the absence of conclusive functional and genetic evidence.